The following is an entry in ClinVar:

NM_000540.3(RYR1):c.5101C>T (p.His1701Tyr)

Gene: RYR1 (ryanodine receptor 1; plus strand). Cytogenetic location: 19q13.2.
Variant type: single nucleotide variant.
Coding change: c.5101C>T on transcript NM_000540.3 (MANE Select); coding-DNA position 5101, C replaced by T.
Protein change: p.His1701Tyr; replaces histidine 1701 with tyrosine.
Molecular consequence: missense variant.
Genome position (GRCh38, 1-based): chr19:38,485,756, C>T. VCF-style: chr19-38485756-C-T. GRCh37 (hg19) VCF-style: chr19-38976396-C-T.
Other names: c.5101C>T, p.His1701Tyr (NM_001042723.2); short protein forms H1701Y.
Identifiers: ClinVar variation 2805385 (VCV002805385.6), dbSNP rs1326265248, ClinGen allele CA405653770.

ClinVar aggregate classification (germline): Uncertain significance. Review status: criteria provided, multiple submitters, no conflicts (2 of 4 stars). 4 submissions from 4 submitters: Uncertain significance (3). 1 of the submissions does not count toward it. Last evaluated 2025-07-20.

Conditions:
Malignant hyperthermia, susceptibility to, 1 (MHS1). Also called: RYR1-Related Malignant Hyperthermia Susceptibility; Malignant hyperthermia suceptibility 1; Anesthesia related hyperthermia; Malignant hyperpyrexia; Fulminating hyperpyrexia; Pharmacogenic myopathy. Identifiers: Orphanet 423, MedGen C2930980, MONDO:0007783, OMIM 145600.
RYR1-related disorder. Also called: RYR1-related condition; RYR1-related disorders. Identifiers: MedGen CN239331.

Allele frequency attached by ClinVar (database versions not stated): gnomAD exomes below 0.00001; gnomAD 0.00001.
gnomAD v4.1: 3 of 1,612,996 alleles (0.00019%); highest among the groups gnomAD compares: Non-Finnish European, 0.00025%; no homozygotes.

Submissions (4):

Color Diagnostics, LLC DBA Color Health
Classification: Uncertain significance for Malignant hyperthermia, susceptibility to, 1. Last evaluated: 2025-07-20. Review status: criteria provided, single submitter. Criteria: ACMG Guidelines, 2015. Collection method: clinical testing. Allele origin: germline.
Comment: This missense variant replaces histidine with tyrosine at codon 1701 of the RYR1 protein. Computational prediction suggests that this variant may not impact protein structure and function. To our knowledge, functional studies have not been reported for this variant. This variant has not been reported in individuals affected with RYR1-related disorders in the literature. This variant has not been identified in the general population by the Genome Aggregation Database (gnomAD). The available evidence is insufficient to determine the role of this variant in disease conclusively. Therefore, this variant is classified as a Variant of Uncertain Significance.

Labcorp Genetics (formerly Invitae), Labcorp
Classification: Uncertain significance for RYR1-related disorder. Last evaluated: 2024-06-19. Review status: criteria provided, single submitter. Criteria: Invitae Variant Classification Sherloc (09022015). Collection method: clinical testing. Allele origin: germline.
Comment: This sequence change replaces histidine, which is basic and polar, with tyrosine, which is neutral and polar, at codon 1701 of the RYR1 protein (p.His1701Tyr). This variant is not present in population databases (gnomAD no frequency). This variant has not been reported in the literature in individuals affected with RYR1-related conditions. Advanced modeling of protein sequence and biophysical properties (such as structural, functional, and spatial information, amino acid conservation, physicochemical variation, residue mobility, and thermodynamic stability) performed at Invitae indicates that this missense variant is not expected to disrupt RYR1 protein function with a negative predictive value of 95%. In summary, the available evidence is currently insufficient to determine the role of this variant in disease. Therefore, it has been classified as a Variant of Uncertain Significance.

All of Us Research Program, National Institutes of Health
Classification: Uncertain significance for Malignant hyperthermia, susceptibility to, 1. Last evaluated: 2023-08-15. Review status: criteria provided, single submitter. Criteria: ACMG Guidelines, 2015. Collection method: clinical testing. Allele origin: germline. Inheritance: Autosomal dominant inheritance. Observed: 3 variant alleles, 3 heterozygotes.
Comment: This missense variant replaces histidine with tyrosine at codon 1701 of the RYR1 protein. Computational prediction suggests that this variant may not impact protein structure and function (internally defined REVEL score threshold <= 0.5, PMID: 27666373). To our knowledge, functional studies have not been reported for this variant. This variant has not been reported in individuals affected with RYR1-related disorders in the literature. This variant has not been identified in the general population by the Genome Aggregation Database (gnomAD). The available evidence is insufficient to determine the role of this variant in disease conclusively. Therefore, this variant is classified as a Variant of Uncertain Significance.

This study involves interpretation of variants in research participants for the purpose of population health screening. Participant phenotype was not available at the time of variant classification. Additional details can be found in publication PMID: 35346344, PMCID: PMC8962531

PreventionGenetics, part of Exact Sciences
Classification: Uncertain significance for RYR1-related condition. Last evaluated: 2023-12-19. Review status: no assertion criteria provided. Collection method: clinical testing. Allele origin: germline. Not counted in ClinVar's aggregate classification.
Comment: The RYR1 c.5101C>T variant is predicted to result in the amino acid substitution p.His1701Tyr. To our knowledge, this variant has not been reported in the literature or in a large population database, indicating this variant is rare. At this time, the clinical significance of this variant is uncertain due to the absence of conclusive functional and genetic evidence.